The following is an entry in ClinVar:

NM_181882.3(PRX):c.3580C>G (p.Leu1194Val)

Gene: PRX (periaxin; minus strand). Cytogenetic location: 19q13.2.
Variant type: single nucleotide variant.
Coding change: c.3580C>G on transcript NM_181882.3 (MANE Select); coding-DNA position 3580, C replaced by G.
Protein change: p.Leu1194Val; replaces leucine 1194 with valine.
Molecular consequence: missense variant. On other transcripts: 3 prime UTR variant (1).
Genome position (GRCh38, 1-based): chr19:40,394,772, G>C on the plus strand (C>G on the coding strand, the complement: PRX is on the minus strand). VCF-style: chr19-40394772-G-C. GRCh37 (hg19) VCF-style: chr19-40900679-G-C.
Other names: c.*3785C>G (NM_020956.2); short protein forms L1194V.
Identifiers: ClinVar variation 410604 (VCV000410604.10), dbSNP rs149732789, ClinGen allele CA9443829.
Genomic context (GRCh38, chr19:40,394,772, plus strand): 5'-GCATCTTAAAGACACCCTCACCCACCAGCAGCTCACCACCTGCAACCTGGGCTCCAGGCA[G>C]AGACAGGGTCACCTGGGGCACCTGAACCCTGTAGCCTGCTGTGCCCTCTGCTGAAGGGAC-3'
Protein context (NP_870998.2, residues 1184-1204): RVQVPQVTLS[Leu1194Val]PGAQVAGGEL

ClinVar aggregate classification (germline): Uncertain significance. Review status: criteria provided, multiple submitters, no conflicts (2 of 4 stars). 6 submissions from 6 submitters: Uncertain significance (6). Last evaluated 2026-03-13.

Conditions:
PRX-related disorder. Also called: PRX-Related Disorders; PRX-related condition.
Inborn genetic diseases. Identifiers: MedGen C0950123, MeSH D030342.
Charcot-Marie-Tooth disease. Also called: Charcot-Marie-Tooth Neuropathy; Charcot-Marie-Tooth Hereditary Neuropathy. Identifiers: Orphanet 166, MedGen C0007959, MONDO:0015626.
Charcot-Marie-Tooth disease type 4. Also called: Charcot-Marie-Tooth disease, type IV; Charcot-Marie-Tooth, Type 4. Identifiers: Orphanet 64749, MedGen C4082197, MONDO:0018995.

Allele frequency attached by ClinVar (database versions not stated): ExAC 0.00003; gnomAD exomes 0.00003 and 0.00005; ESP Exome Variant Server 0.00015; TOPMed 0.00019; gnomAD 0.00022 and 0.00023.
gnomAD v4.1: 75 of 1,613,686 alleles (0.0046%); highest among the groups gnomAD compares: African/African-American, 0.068%; no homozygotes.

Submissions (6):

PreventionGenetics, part of Exact Sciences
Classification: Uncertain significance for PRX-related condition. Last evaluated: 2026-03-13. Review status: criteria provided, single submitter. Criteria: ACMG Guidelines, 2015. Collection method: clinical testing. Allele origin: germline.
Comment: The PRX c.3580C>G variant is predicted to result in the amino acid substitution p.Leu1194Val. This variant has been observed in the homozygous state in an individual from a large cohort of patients with suspected Charcot-Marie-Tooth disease and reported as a variant of uncertain clinical significance (VUS) (Table S2, Volodarsky et al. 2021. PubMed ID: 32376792). This variant is reported in 0.048% of alleles in individuals of African descent in gnomAD. At this time, the clinical significance of this variant is uncertain due to the absence of conclusive functional and genetic evidence.

Labcorp Genetics (formerly Invitae), Labcorp
Classification: Uncertain significance for Charcot-Marie-Tooth disease type 4. Last evaluated: 2025-11-25. Review status: criteria provided, single submitter. Criteria: Invitae Variant Classification Sherloc (09022015). Collection method: clinical testing. Allele origin: germline.
Comment: This sequence change replaces leucine, which is neutral and non-polar, with valine, which is neutral and non-polar, at codon 1194 of the PRX protein (p.Leu1194Val). This variant is present in population databases (rs149732789, gnomAD 0.04%). This missense change has been observed in individual(s) with clinical features of PRX-related conditions (PMID: 32376792). ClinVar contains an entry for this variant (Variation ID: 410604). Invitae Evidence Modeling of protein sequence and biophysical properties (such as structural, functional, and spatial information, amino acid conservation, physicochemical variation, residue mobility, and thermodynamic stability) indicates that this missense variant is not expected to disrupt PRX protein function with a negative predictive value of 80%. In summary, the available evidence is currently insufficient to determine the role of this variant in disease. Therefore, it has been classified as a Variant of Uncertain Significance.

Ambry Genetics
Classification: Uncertain significance for Inborn genetic diseases. Last evaluated: 2022-06-07. Review status: criteria provided, single submitter. Criteria: Ambry Variant Classification Scheme 2023. Collection method: clinical testing. Allele origin: germline.
Comment: The p.L1194V variant (also known as c.3580C>G), located in coding exon 4 of the PRX gene, results from a C to G substitution at nucleotide position 3580. The leucine at codon 1194 is replaced by valine, an amino acid with highly similar properties. This amino acid position is well conserved in available vertebrate species. In addition, this alteration is predicted to be tolerated by in silico analysis. Since supporting evidence is limited at this time, the clinical significance of this alteration remains unclear.

Athena Diagnostics
Classification: Uncertain significance. Last evaluated: 2018-10-31. Review status: criteria provided, single submitter. Criteria: Athena Diagnostics Criteria. Collection method: clinical testing. Allele origin: germline.

GeneDx
Classification: Uncertain significance. Last evaluated: 2017-03-08. Review status: criteria provided, single submitter. Criteria: GeneDx Variant Classification (06012015). Collection method: clinical testing. Allele origin: germline. Affected: yes.
Comment: A variant of uncertain significance has been identified in the PRX gene. The L1194V variant has not been published as a pathogenic variant, nor has it been reported as a benign variant to our knowledge. The L1194V variant is observed in 3/10098 (0.03%) alleles from individuals of African background (Lek et al., 2016; 1000 Genomes Consortium et al., 2015; Exome Variant Server). This substitution occurs at a position that is conserved in mammals. However, the L1194V variant is a conservative amino acid substitution, which is not likely to impact secondary protein structure as these residues share similar properties. In silico analysis is inconsistent in its predictions as to whether or not the variant is damaging to the protein structure/function. Therefore, based on the currently available information, it is unclear whether this variant is a pathogenic variant or a rare benign variant.

Molecular Genetics Laboratory, London Health Sciences Centre
Classification: Uncertain significance for Charcot-Marie-Tooth disease. Review status: criteria provided, single submitter. Criteria: ACMG Guidelines, 2015. Collection method: clinical testing. Allele origin: germline. Affected: yes.

Literature cited by the submitters: PubMed 32376792 (cited by Labcorp Genetics (formerly Invitae), Labcorp).